The following is an entry in ClinVar:

NM_006420.3(ARFGEF2):c.3087A>T (p.Thr1029=)

Gene: ARFGEF2 (ARF guanine nucleotide exchange factor 2; plus strand). Cytogenetic location: 20q13.13.
Variant type: single nucleotide variant.
Coding change: c.3087A>T on transcript NM_006420.3 (MANE Select); coding-DNA position 3087, A replaced by T.
Protein change: p.Thr1029=; no amino-acid change (threonine 1029 retained).
Molecular consequence: synonymous variant.
Genome position (GRCh38, 1-based): chr20:48,994,564, A>T. VCF-style: chr20-48994564-A-T. GRCh37 (hg19) VCF-style: chr20-47611101-A-T.
Identifiers: ClinVar variation 705097 (VCV000705097.10), dbSNP rs763866717, ClinGen allele CA9898815.

ClinVar aggregate classification (germline): Likely benign. Review status: criteria provided, multiple submitters, no conflicts (2 of 4 stars). 3 submissions from 3 submitters: Likely benign (3). Last evaluated 2025-10-30.

Conditions:
ARFGEF2-related disorder. Also called: ARFGEF2-related condition.

Allele frequency attached by ClinVar (database versions not stated): TOPMed 0.00008; gnomAD 0.00019.

Submissions (3):

PreventionGenetics, part of Exact Sciences
Classification: Likely benign for ARFGEF2-related condition. Last evaluated: 2025-10-30. Review status: criteria provided, single submitter. Criteria: ACMG Guidelines, 2015. Collection method: clinical testing. Allele origin: germline.
Comment: This variant is classified as likely benign based on ACMG/AMP sequence variant interpretation guidelines (Richards et al. 2015 PMID: 25741868, with internal and published modifications).

Blueprint Genetics
Classification: Likely benign. Last evaluated: 2024-11-06. Review status: criteria provided, single submitter. Criteria: ACMG Guidelines, 2015. Collection method: clinical testing. Allele origin: germline.

Labcorp Genetics (formerly Invitae), Labcorp
Classification: Likely benign. Last evaluated: 2024-03-04. Review status: criteria provided, single submitter. Criteria: Invitae Variant Classification Sherloc (09022015). Collection method: clinical testing. Allele origin: germline.